The following is an entry in ClinVar:

ClinVar aggregate classification (germline): Likely pathogenic (1 of 4 stars; one submission).

Conditions:
Osteogenesis imperfecta with normal sclerae, dominant form (OI4). Also called: Osteogenesis imperfecta type 4; Common Variable Osteogenesis Imperfecta with Normal Sclerae; OSTEOGENESIS IMPERFECTA WITH NORMAL SCLERAE; OSTEOGENESIS IMPERFECTA, TYPE IV, WITH DENTINOGENESIS IMPERFECTA; Osteogenesis Imperfecta Type IV. Identifiers: Orphanet 216820, Orphanet 666, MedGen C0268363, MONDO:0008148, OMIM 166220.

Submission:

Laboratorio de Genetica e Diagnostico Molecular, Hospital Israelita Albert Einstein
Classification: Likely pathogenic for Osteogenesis imperfecta with normal sclerae, dominant form. Last evaluated: 2022-02-01. Review status: criteria provided, single submitter. Criteria: ACMG Guidelines, 2015. Collection method: clinical testing. Allele origin: germline. Affected: yes.
Comment: ACMG classification criteria: PVS1 very strong, PM2 moderate

NM_000088.4(COL1A1):c.2990dup (p.Gly998fs)

Gene: COL1A1 (collagen type I alpha 1 chain; minus strand). Cytogenetic location: 17q21.33.
Variant type: Duplication.
Coding change: c.2990dup on transcript NM_000088.4 (MANE Select); coding-DNA position 2990, one base duplicated (C; older notation c.2990dupC).
Protein change: p.Gly998fs; shifts the reading frame from glycine 998.
Molecular consequence: frameshift variant.
Genome position (GRCh38, 1-based): chr17:50,188,958, G duplicated on the plus strand (C on the coding strand, the reverse complement: COL1A1 is on the minus strand); the first of 5 consecutive G bases (chr17:50,188,958-50,188,962); duplicating any one gives the same sequence. VCF-style (leftmost placement, unchanged base first): chr17-50188957-A-AG. GRCh37 (hg19) VCF-style: chr17-48266318-A-AG.
Other names: c.2990dupC (NM_000088.4); short protein forms G998fs.
Identifiers: ClinVar variation 1683584 (VCV001683584.2), dbSNP rs1598288648, ClinGen allele CA2573154209.